The following is an entry in ClinVar:

ClinVar aggregate classification (germline): Uncertain significance (1 of 4 stars; one submission).

Submission:

GeneDx
Classification: Uncertain significance. Last evaluated: 2024-07-22. Review status: criteria provided, single submitter. Criteria: GeneDx Variant Classification Process June 2021. Collection method: clinical testing. Allele origin: germline. Affected: yes.
Comment: Not observed at significant frequency in large population cohorts (gnomAD); In silico analysis indicates that this missense variant does not alter protein structure/function; Has not been previously published as pathogenic or benign to our knowledge; This substitution is predicted to be within the N-terminal cytoplasmic domain

NM_001165963.4(SCN1A):c.36C>G (p.Asp12Glu)

Gene: SCN1A (sodium voltage-gated channel alpha subunit 1; minus strand). Cytogenetic location: 2q24.3.
Variant type: single nucleotide variant.
Coding change: c.36C>G on transcript NM_001165963.4 (MANE Select); coding-DNA position 36, C replaced by G.
Protein change: p.Asp12Glu; replaces aspartic acid 12 with glutamic acid.
Molecular consequence: missense variant. On other transcripts: 5 prime UTR variant (1), non-coding transcript variant (1).
Genome position (GRCh38, 1-based): chr2:166,073,586, G>C on the plus strand (C>G on the coding strand, the complement: SCN1A is on the minus strand). VCF-style: chr2-166073586-G-C. GRCh37 (hg19) VCF-style: chr2-166930096-G-C.
Other names: c.36C>G, p.Asp12Glu (NM_001165964.3, NM_001202435.3, NM_001353948.2 and 10 more transcripts); c.-2390C>G (NM_001353961.2); short protein forms D12E.
Identifiers: ClinVar variation 3600899 (VCV003600899.1).